The following is an entry in ClinVar:

ClinVar aggregate classification (somatic clinical impact): Tier II - Potential (1 of 4 stars; one submission).

Conditions:
Dysembryoplastic neuroepithelial tumor. Identifiers: Orphanet 251946, MedGen C1266177, MONDO:0005505, HP:0033703.

Submission:

Institute for Genomic Medicine (IGM) Clinical Laboratory, Nationwide Children's Hospital
Classification: Tier II - Potential for Dysembryoplastic neuroepithelial tumor. Assertion type: diagnostic. Clinical significance: supports diagnosis. Last evaluated: 2023-07-10. Review status: criteria provided, single submitter. Criteria: AMP/ASCO/CAP Guidelines, 2017. Collection method: clinical testing. Allele origin: somatic. Affected: yes.
Comment: Variant has Tier II (potential) clinical significance as a diagnostic inclusion criterion in dysembryoplastic neuroepithelial tumor, based on the following evidence: 1) Information in the literature supports potential biologic effect of variant. 2) Assists in diagnosis alone or along with other biomarkers based on small studies or few case reports (Evidence Level D).

NM_001291415.2(KDM6A):c.190G>T (p.Glu64Ter)

Genes: KDM6A (lysine demethylase 6A; plus strand), LOC130068183 (ATAC-STARR-seq lymphoblastoid silent region 20785; plus strand). Cytogenetic location: Xp11.3.
Variant type: single nucleotide variant.
Coding change: c.190G>T on transcript NM_001291415.2 (MANE Select); coding-DNA position 190, G replaced by T.
Protein change: p.Glu64Ter; replaces glutamic acid 64 with a stop codon.
Molecular consequence: nonsense. On other transcripts: 5 prime UTR variant (1), non-coding transcript variant (1).
Genome position (GRCh38, 1-based): chrX:44,873,952, G>T. VCF-style: chrX-44873952-G-T. GRCh37 (hg19) VCF-style: chrX-44733198-G-T.
Other names: c.-443G>T (NM_001291421.2); c.190G>T, p.Glu64Ter (NM_001410742.1, NM_001419809.1, NM_001419810.1 and 9 more transcripts); short protein forms E64*.
Identifiers: ClinVar variation 4530481 (VCV004530481.1).